The following is an entry in ClinVar:

NM_004304.5(ALK):c.1544A>G (p.Gln515Arg)

Gene: ALK (ALK receptor tyrosine kinase; minus strand). Cytogenetic location: 2p23.2.
Variant type: single nucleotide variant.
Coding change: c.1544A>G on transcript NM_004304.5 (MANE Select); coding-DNA position 1544, A replaced by G.
Protein change: p.Gln515Arg; replaces glutamine 515 with arginine.
Molecular consequence: missense variant.
Genome position (GRCh38, 1-based): chr2:29,320,753, T>C on the plus strand (A>G on the coding strand, the complement: ALK is on the minus strand). VCF-style: chr2-29320753-T-C. GRCh37 (hg19) VCF-style: chr2-29543619-T-C.
Other names: short protein forms Q515R.
Identifiers: ClinVar variation 1717242 (VCV001717242.5), dbSNP rs2465435112, ClinGen allele CA346472175.
Genomic context (GRCh38, chr2:29,320,753, plus strand): 5'-ATCTGTCTATGTGGGCATGAAGATGGGCACCAGAGAGAAGGCAGGAGAGCAGTAGTACCT[T>C]GGTGGTCCTGGAACCGGGCATCCTTTAGGGTCCTGACCTGCCATTGAGGAGTGTGGGGTG-3'
Protein context (NP_004295.2, residues 505-525): TLKDARFQDH[Gln515Arg]DHALLLSTTD

ClinVar aggregate classification (germline): Uncertain significance (1 of 4 stars; one submission).

Conditions:
Neuroblastoma, susceptibility to, 3. Also called: ALK-Related Neuroblastic Tumor Susceptibility. Identifiers: Orphanet 635, MedGen C2751681, MONDO:0013083, OMIM 613014.

Submission:

Labcorp Genetics (formerly Invitae), Labcorp
Classification: Uncertain significance for Neuroblastoma, susceptibility to, 3. Last evaluated: 2022-08-21. Review status: criteria provided, single submitter. Criteria: Invitae Variant Classification Sherloc (09022015). Collection method: clinical testing. Allele origin: germline.
Comment: In summary, the available evidence is currently insufficient to determine the role of this variant in disease. Therefore, it has been classified as a Variant of Uncertain Significance. Algorithms developed to predict the effect of missense changes on protein structure and function output the following: SIFT: "Tolerated"; PolyPhen-2: "Benign"; Align-GVGD: "Class C0". The arginine amino acid residue is found in multiple mammalian species, which suggests that this missense change does not adversely affect protein function. This variant has not been reported in the literature in individuals affected with ALK-related conditions. This variant is not present in population databases (gnomAD no frequency). This sequence change replaces glutamine, which is neutral and polar, with arginine, which is basic and polar, at codon 515 of the ALK protein (p.Gln515Arg).